The following is an entry in ClinVar:

NM_000051.4(ATM):c.7235A>C (p.Asn2412Thr)

Genes: ATM (ATM serine/threonine kinase; plus strand), C11orf65 (chromosome 11 open reading frame 65; minus strand). Cytogenetic location: 11q22.3.
Variant type: single nucleotide variant.
Coding change: c.7235A>C on transcript NM_000051.4 (MANE Select); coding-DNA position 7235, A replaced by C.
Protein change: p.Asn2412Thr; replaces asparagine 2412 with threonine.
Molecular consequence: missense variant. On other transcripts: intron variant (2).
Genome position (GRCh38, 1-based): chr11:108,329,166, A>C. VCF-style: chr11-108329166-A-C. GRCh37 (hg19) VCF-style: chr11-108199893-A-C.
Other names: c.7235A>C, p.Asn2412Thr (NM_001351834.2); c.641-20095T>G (NM_001330368.2); c.*38+6054T>G (NM_001351110.2); short protein forms N2412T.
Identifiers: ClinVar variation 407621 (VCV000407621.22), dbSNP rs786203311, ClinGen allele CA16613204.

ClinVar aggregate classification (germline): Uncertain significance. Review status: criteria provided, multiple submitters, no conflicts (2 of 4 stars). 6 submissions from 6 submitters: Uncertain significance (5). 1 of the submissions does not count toward it. Last evaluated 2025-12-12.

Conditions:
ATM-related disorder. Also called: ATM-related disorders; ATM-related condition.
Hereditary cancer-predisposing syndrome. Also called: Neoplastic Syndromes, Hereditary; Hereditary Cancer Syndrome; Tumor predisposition; Hereditary neoplastic syndrome. Identifiers: Orphanet 140162, MedGen C0027672, MeSH D009386, MONDO:0015356.
Ataxia-telangiectasia syndrome (AT). Also called: LOUIS-BAR SYNDROME; Cerebello-oculocutaneous telangiectasia; Immunodeficiency with ataxia telangiectasia; Ataxia-telangiectasia, complementation group D; AT, COMPLEMENTATION GROUP C; Ataxia-telangiectasia, complementation group E. Identifiers: Orphanet 100, MedGen C0004135, MONDO:0008840, OMIM 208900.

Allele frequency attached by ClinVar (database versions not stated): TOPMed 0.00001.
gnomAD v4.1: 3 of 1,614,094 alleles (0.00019%); highest among the groups gnomAD compares: Non-Finnish European, 0.00025%; no homozygotes.

Submissions (6):

Ambry Genetics
Classification: Uncertain significance for Hereditary cancer-predisposing syndrome. Last evaluated: 2025-12-12. Review status: criteria provided, single submitter. Criteria: Ambry Variant Classification Scheme 2023. Collection method: clinical testing. Allele origin: germline.
Comment: The p.N2412T variant (also known as c.7235A>C), located in coding exon 48 of the ATM gene, results from an A to C substitution at nucleotide position 7235. The asparagine at codon 2412 is replaced by threonine, an amino acid with similar properties. In an assay testing ATM function, this variant showed a functionally normal result (Lee KS et al. Cell, 2025 Sep;188:5081-5099.e27).This amino acid position is highly conserved in available vertebrate species. In addition, the in silico prediction for this alteration is inconclusive. Based on the available evidence, the clinical significance of this variant remains unclear.

Labcorp Genetics (formerly Invitae), Labcorp
Classification: Uncertain significance for Ataxia-telangiectasia syndrome. Last evaluated: 2025-01-11. Review status: criteria provided, single submitter. Criteria: Invitae Variant Classification Sherloc (09022015). Collection method: clinical testing. Allele origin: germline.
Comment: This sequence change replaces asparagine, which is neutral and polar, with threonine, which is neutral and polar, at codon 2412 of the ATM protein (p.Asn2412Thr). This variant is not present in population databases (gnomAD no frequency). This variant has not been reported in the literature in individuals affected with ATM-related conditions. ClinVar contains an entry for this variant (Variation ID: 407621). Invitae Evidence Modeling of protein sequence and biophysical properties (such as structural, functional, and spatial information, amino acid conservation, physicochemical variation, residue mobility, and thermodynamic stability) has been performed for this missense variant. However, the output from this modeling did not meet the statistical confidence thresholds required to predict the impact of this variant on ATM protein function. In summary, the available evidence is currently insufficient to determine the role of this variant in disease. Therefore, it has been classified as a Variant of Uncertain Significance.

GeneDx
Classification: Uncertain significance. Last evaluated: 2024-05-06. Review status: criteria provided, single submitter. Criteria: GeneDx Variant Classification Process June 2021. Collection method: clinical testing. Allele origin: germline. Affected: yes.
Comment: Not observed at significant frequency in large population cohorts (gnomAD); In silico analysis supports that this missense variant has a deleterious effect on protein structure/function; Has not been previously published as pathogenic or benign to our knowledge; This variant is associated with the following publications: (PMID: 23532176)

PreventionGenetics, part of Exact Sciences
Classification: Uncertain significance for ATM-related condition. Last evaluated: 2023-01-19. Review status: criteria provided, single submitter. Criteria: ACMG Guidelines, 2015. Collection method: clinical testing. Allele origin: germline.
Comment: The ATM c.7235A>C variant is predicted to result in the amino acid substitution p.Asn2412Thr. This variant has been reported in an individual with breast cancer (Patient 18, Nunziato et al. 2019. PubMed ID: 30482293). This variant has not been reported in a large population database, indicating this variant is rare. It is interpreted as uncertain significance in ClinVar. At this time, the clinical significance of this variant is uncertain due to the absence of conclusive functional and genetic evidence.

Color Diagnostics, LLC DBA Color Health
Classification: Uncertain significance for Hereditary cancer-predisposing syndrome. Last evaluated: 2019-03-08. Review status: criteria provided, single submitter. Criteria: ACMG Guidelines, 2015. Collection method: clinical testing. Allele origin: germline.

Natera, Inc.
Classification: Uncertain significance for Ataxia-telangiectasia. Last evaluated: 2020-09-16. Review status: no assertion criteria provided. Collection method: clinical testing. Allele origin: germline. Not counted in ClinVar's aggregate classification.

Literature cited by the submitters: PubMed 40580951 (cited by Ambry Genetics).